The following is an entry in ClinVar:

ClinVar aggregate classification (germline): Conflicting classifications of pathogenicity. Review status: criteria provided, conflicting classifications (1 of 4 stars). 3 submissions from 3 submitters: Uncertain significance (2); Likely benign (1). Last evaluated 2024-09-18.

Conditions:
Joubert syndrome 21 (JBTS21). Identifiers: MedGen C3810212, MONDO:0014288, OMIM 615636.
Inborn genetic diseases. Identifiers: MedGen C0950123, MeSH D030342.

Allele frequency attached by ClinVar (database versions not stated): ESP Exome Variant Server 0.00008; gnomAD exomes 0.00011; ExAC 0.00013; gnomAD 0.00013 and 0.00014; TOPMed 0.00016.
gnomAD v4.1: 182 of 1,609,352 alleles (0.011%); highest among the groups gnomAD compares: Non-Finnish European, 0.015%; no homozygotes.

Submissions (3):

Blueprint Genetics
Classification: Likely benign. Last evaluated: 2024-09-18. Review status: criteria provided, single submitter. Criteria: ACMG Guidelines, 2015. Collection method: clinical testing. Allele origin: germline.

Labcorp Genetics (formerly Invitae), Labcorp
Classification: Uncertain significance for Joubert syndrome 21. Last evaluated: 2022-11-01. Review status: criteria provided, single submitter. Criteria: Invitae Variant Classification Sherloc (09022015). Collection method: clinical testing. Allele origin: germline.
Comment: This sequence change replaces histidine, which is basic and polar, with asparagine, which is neutral and polar, at codon 554 of the CSPP1 protein (p.His554Asn). This variant is present in population databases (rs201417325, gnomAD 0.02%). This variant has not been reported in the literature in individuals affected with CSPP1-related conditions. ClinVar contains an entry for this variant (Variation ID: 575764). Algorithms developed to predict the effect of missense changes on protein structure and function are either unavailable or do not agree on the potential impact of this missense change (SIFT: "Deleterious"; PolyPhen-2: "Benign"; Align-GVGD: "Class C0"). In summary, the available evidence is currently insufficient to determine the role of this variant in disease. Therefore, it has been classified as a Variant of Uncertain Significance.

Ambry Genetics
Classification: Uncertain significance for Inborn genetic diseases. Last evaluated: 2021-08-23. Review status: criteria provided, single submitter. Criteria: Ambry Variant Classification Scheme 2023. Collection method: clinical testing. Allele origin: germline.

NM_001382391.1(CSPP1):c.1675C>A (p.His559Asn)

Gene: CSPP1 (centrosome and spindle pole associated protein 1; plus strand). Cytogenetic location: 8q13.2.
Variant type: single nucleotide variant.
Coding change: c.1675C>A on transcript NM_001382391.1 (MANE Select); coding-DNA position 1675, C replaced by A.
Protein change: p.His559Asn; replaces histidine 559 with asparagine.
Molecular consequence: missense variant.
Genome position (GRCh38, 1-based): chr8:67,118,799, C>A. VCF-style: chr8-67118799-C-A. GRCh37 (hg19) VCF-style: chr8-68031034-C-A.
Other names: c.778C>A, p.His260Asn (NM_001291339.2); c.1594C>A, p.His532Asn (NM_001363131.2); c.1633C>A, p.His545Asn (NM_001363132.2); c.1552C>A, p.His518Asn (NM_001363133.2); c.1741C>A, p.His581Asn (NM_001364869.1); c.1561C>A, p.His521Asn (NM_001364870.1); c.1660C>A, p.His554Asn (NM_024790.7); short protein forms H554N, H260N, H518N, H532N, H581N, H521N, H545N, H559N.
Identifiers: ClinVar variation 575764 (VCV000575764.6), dbSNP rs201417325, ClinGen allele CA4770616.